The following is an entry in ClinVar:

NM_033159.4(HYAL1):c.707G>A (p.Trp236Ter)

Gene: HYAL1 (hyaluronidase 1; minus strand). Cytogenetic location: 3p21.31.
Variant type: single nucleotide variant.
Coding change: c.707G>A on transcript NM_033159.4 (MANE Select); coding-DNA position 707, G replaced by A.
Protein change: p.Trp236Ter; replaces tryptophan 236 with a stop codon.
Molecular consequence: nonsense. On other transcripts: non-coding transcript variant (1), intron variant (1).
Genome position (GRCh38, 1-based): chr3:50,302,250, C>T on the plus strand (G>A on the coding strand, the complement: HYAL1 is on the minus strand). VCF-style: chr3-50302250-C-T. GRCh37 (hg19) VCF-style: chr3-50339681-C-T.
Other names: c.707G>A, p.Trp236Ter (NM_153281.2, NM_153282.3); c.161G>A, p.Trp54Ter (NM_153283.3); c.-26-45G>A (NM_153285.3); short protein forms W236*, W54*.
Identifiers: ClinVar variation 1072055 (VCV001072055.5), dbSNP rs2109307152, ClinGen allele CA352893036.

ClinVar aggregate classification (germline): Pathogenic (1 of 4 stars; one submission).

Conditions:
Deficiency of hyaluronoglucosaminidase (MPS9). Also called: HYALURONIDASE DEFICIENCY; MPS IX; Mucopolysaccharidosis type 9. Identifiers: Orphanet 67041, MedGen C1291490, MONDO:0011093, OMIM 601492.

Allele frequency attached by ClinVar (database versions not stated): gnomAD exomes below 0.00001.
gnomAD v4.1: 1 of 1,613,966 alleles (0.000062%); highest among the groups gnomAD compares: East Asian, 0.0022%; no homozygotes.

Submission:

Labcorp Genetics (formerly Invitae), Labcorp
Classification: Pathogenic for Deficiency of hyaluronoglucosaminidase. Last evaluated: 2020-05-21. Review status: criteria provided, single submitter. Criteria: Invitae Variant Classification Sherloc (09022015). Collection method: clinical testing. Allele origin: germline.
Comment: This variant has not been reported in the literature in individuals with HYAL1-related conditions. For these reasons, this variant has been classified as Pathogenic. Loss-of-function variants in HYAL1 are known to be pathogenic (PMID: 10339581, 21559944). This variant is not present in population databases (ExAC no frequency). This sequence change creates a premature translational stop signal (p.Trp236*) in the HYAL1 gene. It is expected to result in an absent or disrupted protein product.

Literature cited by the submitters: PubMed 10339581; PubMed 21559944.